The following is an entry in ClinVar:

NM_198859.4(PRICKLE2):c.1676GTG[1] (p.Gly560del)

Genes: PRICKLE2 (prickle planar cell polarity protein 2; minus strand), PRICKLE2-AS1 (PRICKLE2 antisense RNA 1; plus strand). Cytogenetic location: 3p14.1.
Variant type: Microsatellite.
Coding change: c.1676GTG[1] on transcript NM_198859.4 (MANE Select); one copy of the 3-base unit GTG starting at c.1676; the reference has two copies in a row; one copy, 3 bases deleted.
Protein change: p.Gly560del; deletes glycine 560.
Molecular consequence: inframe deletion. On other transcripts: non-coding transcript variant (1).
Genome position (GRCh38, 1-based): chr3:64,099,905-64,099,907, CAC deleted on the plus strand (GTG on the coding strand, the reverse complement: PRICKLE2 is on the minus strand); deleting any 3 consecutive bases within chr3:64,099,905-64,099,912 gives the same sequence; the position shown is the placement nearest the transcript's 3' end. VCF-style (leftmost placement, unchanged base first): chr3-64099904-GCAC-G. GRCh37 (hg19) VCF-style: chr3-64085580-GCAC-G.
Other names: c.1676GTG[1], p.Gly560del (NM_001370528.1); short protein forms G560del.
Identifiers: ClinVar variation 2013997 (VCV002013997.4), dbSNP rs2076628067, ClinGen allele CA1370512160.
Genomic context (GRCh38, chr3:64,099,904, plus strand): 5'-ATTCCAGAGTCTTTGCTGAGGTCAGGCATGGAAAATCGGGATAGGTGCTCCTGGCGCTTG[GCAC>G]CACCATCAGCAGAGAGGCCTGGGGAAGAGAGGAGGGGACCACAGAGATTAATACAGATGT-3'

ClinVar aggregate classification (germline): Uncertain significance (1 of 4 stars; one submission).

Conditions:
Progressive myoclonic epilepsy type 5. Identifiers: Orphanet 402082, MedGen C5190799.

Submission:

Labcorp Genetics (formerly Invitae), Labcorp
Classification: Uncertain significance for Progressive myoclonic epilepsy type 5. Last evaluated: 2022-07-04. Review status: criteria provided, single submitter. Criteria: Invitae Variant Classification Sherloc (09022015). Collection method: clinical testing. Allele origin: germline.
Comment: This variant has not been reported in the literature in individuals affected with PRICKLE2-related conditions. In summary, the available evidence is currently insufficient to determine the role of this variant in disease. Therefore, it has been classified as a Variant of Uncertain Significance. Experimental studies and prediction algorithms are not available or were not evaluated, and the functional significance of this variant is currently unknown. This variant is not present in population databases (gnomAD no frequency). This variant, c.1679_1681del, results in the deletion of 1 amino acid(s) of the PRICKLE2 protein (p.Gly560del), but otherwise preserves the integrity of the reading frame.